The following is an entry in ClinVar:

NM_000520.6(HEXA):c.1525_1526+27del

Gene: HEXA (hexosaminidase subunit alpha; minus strand). Cytogenetic location: 15q23.
Variant type: Deletion.
Coding change: c.1525_1526+27del on transcript NM_000520.6 (MANE Select); coding-DNA position 1525 through 27 bases into the intron after coding-DNA position 1526, 29 bases deleted (AGGTAAGCAAGCTGTGGGGCCTTCGCAAG).
Molecular consequence: splice donor variant. On other transcripts: non-coding transcript variant (1).
Genome position (GRCh38, 1-based): chr15:72,345,419-72,345,447, CTTGCGAAGGCCCCACAGCTTGCTTACCT deleted on the plus strand (AGGTAAGCAAGCTGTGGGGCCTTCGCAAG on the coding strand, the reverse complement: HEXA is on the minus strand); deleting any 29 consecutive bases within chr15:72,345,419-72,345,448 gives the same sequence; the c. name uses the placement nearest the transcript's 3' end. VCF-style (leftmost placement, unchanged base first): chr15-72345418-CCTTGCGAAGGCCCCACAGCTTGCTTACCT-C. GRCh37 (hg19) VCF-style: chr15-72637759-CCTTGCGAAGGCCCCACAGCTTGCTTACCT-C.
Other names: c.1525_1526+27delAGGTAAGCAAGCTGTGGGGCCTTCGCAAG (NM_000520.5); c.1558_1559+27del (NM_001318825.2).
Identifiers: ClinVar variation 1192227 (VCV001192227.23), dbSNP rs2140319516, ClinGen allele CA2499223075.

ClinVar aggregate classification (germline): Pathogenic/Likely pathogenic. Review status: criteria provided, multiple submitters, no conflicts (2 of 4 stars). 5 submissions from 5 submitters: Pathogenic (2); Likely pathogenic (3). Last evaluated 2026-03-27.

Conditions:
Tay-Sachs disease (TSD). Also called: HEXA DEFICIENCY; GM2 gangliosidosis, type 1; Hexosaminidase alpha-subunit deficiency (variant B); Sphingolipidosis, Tay-Sachs; Hexosaminidase A Deficiency; HEXA Disorders. Identifiers: Orphanet 845, MedGen C0039373, MONDO:0010100, OMIM 272800.

Submissions (5):

GeneDx
Classification: Pathogenic. Last evaluated: 2026-03-27. Review status: criteria provided, single submitter. Criteria: GeneDx Variant Classification Process June 2021. Collection method: clinical testing. Allele origin: germline.
Comment: Has not been previously published as pathogenic or benign to our knowledge; Canonical splice site variant predicted to result in an in-frame loss of the adjacent exon in a gene for which loss of function is a known mechanism of disease; Not observed at significant frequency in large population cohorts (gnomAD)

Natera, Inc.
Classification: Likely pathogenic for Tay-Sachs disease. Last evaluated: 2025-06-11. Review status: criteria provided, single submitter. Criteria: Natera Variant Classification Schema (03/2026). Collection method: clinical testing. Allele origin: germline.
Comment: The c.1525_1526+27delAGGTAAGCAAGCTGTGGGGCCTTCGCAAG variant in HEXA is a deletion affecting the canonical splice donor site. This variant is expected to result in nonsense mediated decay, truncation, or a dysfunctional protein product. This variant is rare in the general population with a frequency below the threshold expected for the associated phenotype(s). Given the available evidence, this variant is classified as Likely Pathogenic.

CeGaT Center for Human Genetics Tuebingen
Classification: Likely pathogenic. Last evaluated: 2025-04-01. Review status: criteria provided, single submitter. Criteria: CeGaT Center For Human Genetics Tuebingen Variant Classification Criteria Version 2. Collection method: clinical testing. Allele origin: germline. Affected: yes. Observed: 1 variant allele.
Comment: HEXA: PVS1:Strong, PM2

Women's Health and Genetics/Laboratory Corporation of America, LabCorp
Classification: Likely pathogenic for Tay-Sachs disease. Last evaluated: 2021-08-02. Review status: criteria provided, single submitter. Criteria: LabCorp Variant Classification Summary - May 2015. Collection method: clinical testing. Allele origin: germline.
Comment: Variant summary: HEXA c.1525_1526+27del29 is located in a canonical splice-site and is predicted to affect mRNA splicing resulting in a significantly altered protein due to either exon skipping, shortening, or inclusion of intronic material. Several computational tools predict a significant impact on normal splicing: Four predict the variant abolishes a 5 splicing donor site. However, these predictions have yet to be confirmed by functional studies. The variant was absent in 251012 control chromosomes (gnomAD). To our knowledge, no occurrence of c.1525_1526+27del29 in individuals affected with Tay-Sachs Disease and no experimental evidence demonstrating its impact on protein function have been reported. No clinical diagnostic laboratories have submitted clinical-significance assessments for this variant to ClinVar after 2014. Other variants affecting this 5' splicing donor site or the 3' acceptor site between exons 13 and 14 of the HEXA gene have been cited in ClinVar [c.1526+1G>T: likely pathogenic (n=1) and VUS (n=1); c.1526+2T>C: likely pathogenic (n=1)] and reported in HGMD [c.1527-2A>T (DM)]. Truncations within the last exon (exon 14) of the HEXA gene have been reported as pathogenic/likely pathogenic by our laboratory (p.Arg510X, p.Leu517ProfsX7). Based on the evidence outlined above, the variant was classified as likely pathogenic.

Labcorp Genetics (formerly Invitae), Labcorp
Classification: Pathogenic for Tay-Sachs disease. Last evaluated: 2021-05-19. Review status: criteria provided, single submitter. Criteria: Invitae Variant Classification Sherloc (09022015). Collection method: clinical testing. Allele origin: germline.
Comment: This variant results in the deletion of part of exon 13 (c.1525_1526+27del) of the HEXA gene. While this variant is not anticipated to result in nonsense mediated decay, it likely alters RNA splicing and results in a disrupted protein product. For these reasons, this variant has been classified as Pathogenic. This variant disrupts the C-terminus of the HEXA protein. Other variant(s) that disrupt this region (p.Arg510*) have been determined to be pathogenic (PMID: 22789865, 27896118, 21567908). This suggests that variants that disrupt this region of the protein are likely to be causative of disease. Nucleotide substitutions within the consensus splice site are a relatively common cause of aberrant splicing (PMID: 17576681, 9536098). Algorithms developed to predict the effect of sequence changes on RNA splicing suggest that this variant may disrupt the consensus splice site, but this prediction has not been confirmed by published transcriptional studies. This variant has not been reported in the literature in individuals with HEXA-related conditions. This variant is not present in population databases (ExAC no frequency).

Literature cited by the submitters: PubMed 22789865 (cited by Labcorp Genetics (formerly Invitae), Labcorp); PubMed 27896118 (cited by Labcorp Genetics (formerly Invitae), Labcorp); PubMed 21567908 (cited by Labcorp Genetics (formerly Invitae), Labcorp); PubMed 17576681 (cited by Labcorp Genetics (formerly Invitae), Labcorp); PubMed 9536098 (cited by Labcorp Genetics (formerly Invitae), Labcorp).